The following is an entry in ClinVar:

NM_005663.5(NELFA):c.924+10G>A

Gene: NELFA (negative elongation factor complex member A; minus strand). Cytogenetic location: 4p16.3.
Variant type: single nucleotide variant.
Coding change: c.924+10G>A on transcript NM_005663.5 (MANE Select); 10 bases into the intron after coding-DNA position 924, G replaced by A.
Molecular consequence: intron variant.
Genome position (GRCh38, 1-based): chr4:1,985,766, C>T on the plus strand (G>A on the coding strand, the complement: NELFA is on the minus strand). VCF-style: chr4-1985766-C-T. GRCh37 (hg19) VCF-style: chr4-1987493-C-T.
Identifiers: ClinVar variation 720327 (VCV000720327.6), dbSNP rs375602072, ClinGen allele CA2813278.
Genomic context (GRCh38, chr4:1,985,766, plus strand): 5'-AGTGGCCACAATCGGAACAAAAGGGGCACCCGCAGTGGTGCCAGACATGGGGTGCAGCCC[C>T]GAGCCCTACCTGCGTGGACACCAGGCCGGCTGCGTAGTCCGGGGTGGCGTTCTCCACCAC-3'

ClinVar aggregate classification (germline): Likely benign. Review status: criteria provided, single submitter (1 of 4 stars). 2 submissions from 2 submitters: Likely benign (1). 1 of the submissions does not count toward it. Last evaluated 2019-12-31.

Conditions:
NELFA-related disorder. Also called: NELFA-related condition.

Allele frequency attached by ClinVar (database versions not stated): ExAC 0.00020; gnomAD 0.00023 and 0.00026; TOPMed 0.00034; gnomAD exomes 0.00009 and 0.00015; 1000 Genomes Project 0.00020; 1000 Genomes Project 30x 0.00016; ESP Exome Variant Server 0.00031.
gnomAD v4.1: 167 of 1,612,050 alleles (0.01%); highest among the groups gnomAD compares: African/African-American, 0.071%; 1 homozygote.

Submissions (2):

Labcorp Genetics (formerly Invitae), Labcorp
Classification: Likely benign. Last evaluated: 2019-12-31. Review status: criteria provided, single submitter. Criteria: Invitae Variant Classification Sherloc (09022015). Collection method: clinical testing. Allele origin: germline.

PreventionGenetics, part of Exact Sciences
Classification: Likely benign for NELFA-related condition. Last evaluated: 2020-07-25. Review status: no assertion criteria provided. Collection method: clinical testing. Allele origin: germline. Not counted in ClinVar's aggregate classification.
Comment: This variant is classified as likely benign based on ACMG/AMP sequence variant interpretation guidelines (Richards et al. 2015 PMID: 25741868, with internal and published modifications).